The following is an entry in ClinVar:

NM_005228.5(EGFR):c.3191G>T (p.Ser1064Ile)

Gene: EGFR (epidermal growth factor receptor; plus strand). Cytogenetic location: 7p11.2.
Variant type: single nucleotide variant.
Coding change: c.3191G>T on transcript NM_005228.5 (MANE Select); coding-DNA position 3191, G replaced by T.
Protein change: p.Ser1064Ile; replaces serine 1064 with isoleucine.
Molecular consequence: missense variant.
Genome position (GRCh38, 1-based): chr7:55,202,545, G>T. VCF-style: chr7-55202545-G-T. GRCh37 (hg19) VCF-style: chr7-55270238-G-T.
Other names: c.3056G>T, p.Ser1019Ile (NM_001346897.2, NM_001346899.2); c.3191G>T, p.Ser1064Ile (NM_001346898.2); c.3032G>T, p.Ser1011Ile (NM_001346900.2); c.2390G>T, p.Ser797Ile (NM_001346941.2); short protein forms S1011I, S1019I, S797I, S1064I.
Identifiers: ClinVar variation 2755724 (VCV002755724.3), dbSNP rs1339648899, ClinGen allele CA367583302.

ClinVar aggregate classification (germline): Uncertain significance (1 of 4 stars; one submission).

Conditions:
EGFR-related lung cancer (EGFR). Identifiers: MedGen CN130014.

Allele frequency attached by ClinVar (database versions not stated): gnomAD exomes below 0.00001.
gnomAD v4.1: 1 of 1,612,414 alleles (0.000062%); highest among the groups gnomAD compares: East Asian, 0.0022%; no homozygotes.

Submission:

Labcorp Genetics (formerly Invitae), Labcorp
Classification: Uncertain significance for EGFR-related lung cancer. Last evaluated: 2023-08-27. Review status: criteria provided, single submitter. Criteria: Invitae Variant Classification Sherloc (09022015). Collection method: clinical testing. Allele origin: germline.
Comment: In summary, the available evidence is currently insufficient to determine the role of this variant in disease. Therefore, it has been classified as a Variant of Uncertain Significance. An algorithm developed to predict the effect of missense changes on protein structure and function (PolyPhen-2) suggests that this variant is likely to be tolerated. This variant has not been reported in the literature in individuals affected with EGFR-related conditions. This variant is present in population databases (no rsID available, gnomAD 0.006%). This sequence change replaces serine, which is neutral and polar, with isoleucine, which is neutral and non-polar, at codon 1064 of the EGFR protein (p.Ser1064Ile).